The following is an entry in ClinVar:

NM_001367624.2(ZNF469):c.10332del (p.Arg3445fs)

Gene: ZNF469 (zinc finger protein 469; plus strand). Cytogenetic location: 16q24.2.
Variant type: Deletion.
Coding change: c.10332del on transcript NM_001367624.2 (MANE Select); coding-DNA position 10332, one base deleted (G; older notation c.10332delG).
Protein change: p.Arg3445fs; shifts the reading frame from arginine 3445.
Molecular consequence: frameshift variant.
Genome position (GRCh38, 1-based): chr16:88,437,802, G deleted; the last of 8 consecutive G bases (chr16:88,437,795-88,437,802); deleting any one gives the same sequence. VCF-style (leftmost placement, unchanged base first): chr16-88437794-AG-A. GRCh37 (hg19) VCF-style: chr16-88504202-AG-A.
Other names: NM_001127464.1:c.10248delG; c.10332delG (NM_001367624.2); short protein forms R3445fs.
Identifiers: ClinVar variation 265492 (VCV000265492.6), dbSNP rs764470052, ClinGen allele CA10588630.

ClinVar aggregate classification (germline): Conflicting classifications of pathogenicity. Review status: criteria provided, conflicting classifications (1 of 4 stars). 4 submissions from 4 submitters: Pathogenic (2); Likely pathogenic (1); Uncertain significance (1). Last evaluated 2025-07-02.

Conditions:
Cardiovascular phenotype. Identifiers: MedGen CN230736.
Brittle cornea syndrome 1 (BCS1). Also called: DYSGENESIS MESODERMALIS CORNEAE ET SCLERAE; CORNEAL FRAGILITY, KERATOGLOBUS, BLUE SCLERAE, JOINT HYPEREXTENSIBILITY; EDS6B; Corneal fragility keratoglobus, blue sclerae AND joint hypermobility; FRAGILITAS OCULI WITH JOINT HYPEREXTENSIBILITY. Identifiers: Orphanet 90354, MedGen C0268344, MONDO:0024543, OMIM 229200.

Submissions (4):

Labcorp Genetics (formerly Invitae), Labcorp
Classification: Pathogenic. Last evaluated: 2025-07-02. Review status: criteria provided, single submitter. Criteria: Invitae Variant Classification Sherloc (09022015). Collection method: clinical testing. Allele origin: germline.
Comment: This sequence change creates a premature translational stop signal (p.Arg3417Glyfs*56) in the ZNF469 gene. While this is not anticipated to result in nonsense mediated decay, it is expected to disrupt the last 509 amino acid(s) of the ZNF469 protein. The frequency data for this variant in the population databases is considered unreliable, as metrics indicate poor data quality at this position in the gnomAD database. This variant has not been reported in the literature in individuals affected with ZNF469-related conditions. ClinVar contains an entry for this variant (Variation ID: 265492). This variant disrupts a region of the ZNF469 protein in which other variant(s) (p.Pro3556Glnfs*136) have been determined to be pathogenic (PMID: 32671420). This suggests that this is a clinically significant region of the protein, and that variants that disrupt it are likely to be disease-causing. For these reasons, this variant has been classified as Pathogenic.

Ambry Genetics
Classification: Uncertain significance for Cardiovascular phenotype. Last evaluated: 2024-06-10. Review status: criteria provided, single submitter. Criteria: Ambry Variant Classification Scheme 2023. Collection method: clinical testing. Allele origin: germline.
Comment: The c.10248delG variant, located in coding exon 2 of the ZNF469 gene, results from a deletion of one nucleotide at nucleotide position 10248, causing a translational frameshift with a predicted alternate stop codon (p.R3417Gfs*56). This alteration occurs at the 3' terminus of theZNF469 gene, is not expected to trigger nonsense-mediated mRNAdecay, and only impacts the last 13% of the protein. The exact functional effect of this alteration is unknown. Based on the available evidence, the clinical significance of this variant remains unclear.

Women's Health and Genetics/Laboratory Corporation of America, LabCorp
Classification: Likely pathogenic for Brittle cornea syndrome 1. Last evaluated: 2021-12-28. Review status: criteria provided, single submitter. Criteria: LabCorp Variant Classification Summary - May 2015. Collection method: clinical testing. Allele origin: germline.
Comment: Variant summary: ZNF469 c.10332delG (p.Arg3445GlyfsX56) located in the last exon (exon 3) results in a premature termination codon, predicted to cause a truncation of the encoded protein or absence of the protein due to nonsense mediated decay, which are commonly known mechanisms for disease. Truncations downstream of this position have not been classified as pathogenic by our laboratory, however, at-least one other frameshifting loss of function variant (c.10751delC, p.Pro3584Glnfs*136) has been reported with a phenotype of Brittle Cornea syndrome in the HGMD database. The variant allele was found at a frequency of 3.5e-05 in 140918 control chromosomes. To our knowledge, no occurrence of c.10332delG in individuals affected with Brittle Cornea Syndrome 1 and no experimental evidence demonstrating its impact on protein function have been reported. One clinical diagnostic laboratory has submitted clinical-significance assessments for this variant to ClinVar after 2014 (annotated as c.10248delG in NM_001127464) without evidence for independent evaluation and classified the variant as pathogenic. Based on the evidence outlined above, the variant was classified as likely pathogenic.

GeneDx
Classification: Pathogenic. Last evaluated: 2015-11-30. Review status: criteria provided, single submitter. Criteria: GeneDx Variant Classification (06012015). Collection method: clinical testing. Allele origin: germline. Affected: yes.
Comment: The c.10248delG pathogenic variant in the ZNF469 gene has not been reported previously as a pathogenic variant nor as a benign variant, to our knowledge. The c.10248delG variant causes a frameshift starting with codon Arginine 3417, changes this amino acid to a Glycine residue, and creates a premature Stop codon at position 56 of the new reading frame, denoted p.Arg3417GlyfsX56. This variant is predicted to cause loss of normal protein function through protein truncation. The c.10248delG variant was not observed in approximately 2200 individuals of European and African American ancestry in the NHLBI Exome Sequencing Project, indicating it is not a common benign variant in these populations. We interpret c.10248delG as a pathogenic variant.

Literature cited by the submitters: PubMed 32671420 (cited by Labcorp Genetics (formerly Invitae), Labcorp).